The following is an entry in ClinVar:

NM_000128.4(F11):c.734A>G (p.Glu245Gly)

Gene: F11 (coagulation factor XI; plus strand). Cytogenetic location: 4q35.2.
Variant type: single nucleotide variant.
Coding change: c.734A>G on transcript NM_000128.4 (MANE Select); coding-DNA position 734, A replaced by G.
Protein change: p.Glu245Gly; replaces glutamic acid 245 with glycine.
Molecular consequence: missense variant.
Genome position (GRCh38, 1-based): chr4:186,276,369, A>G. VCF-style: chr4-186276369-A-G. GRCh37 (hg19) VCF-style: chr4-187197523-A-G.
Other names: short protein forms E245G.
Identifiers: ClinVar variation 3731173 (VCV003731173.2).

ClinVar aggregate classification (germline): Uncertain significance. Review status: criteria provided, multiple submitters, no conflicts (2 of 4 stars). 2 submissions from 2 submitters: Uncertain significance (2). Last evaluated 2026-07-14.

Conditions:
Inborn genetic diseases. Identifiers: MedGen C0950123, MeSH D030342.

Submissions (2):

Ambry Genetics
Classification: Uncertain significance for Inborn genetic diseases. Last evaluated: 2026-07-14. Review status: criteria provided, single submitter. Criteria: Ambry Variant Classification Scheme 2023. Collection method: clinical testing. Allele origin: germline.

GeneDx
Classification: Uncertain significance. Last evaluated: 2024-08-17. Review status: criteria provided, single submitter. Criteria: GeneDx Variant Classification Process June 2021. Collection method: clinical testing. Allele origin: germline. Affected: yes.
Comment: Not observed at significant frequency in large population cohorts (gnomAD); In silico analysis indicates that this missense variant does not alter protein structure/function; Has not been previously published as pathogenic or benign to our knowledge